The following is an entry in ClinVar:

NM_138694.4(PKHD1):c.3635C>T (p.Thr1212Ile)

Gene: PKHD1 (PKHD1 ciliary IPT domain containing fibrocystin/polyductin; minus strand). Cytogenetic location: 6p12.2.
Variant type: single nucleotide variant.
Coding change: c.3635C>T on transcript NM_138694.4 (MANE Select); coding-DNA position 3635, C replaced by T.
Protein change: p.Thr1212Ile; replaces threonine 1212 with isoleucine.
Molecular consequence: missense variant.
Genome position (GRCh38, 1-based): chr6:52,026,175, G>A on the plus strand (C>T on the coding strand, the complement: PKHD1 is on the minus strand). VCF-style: chr6-52026175-G-A. GRCh37 (hg19) VCF-style: chr6-51890973-G-A.
Other names: c.3635C>T, p.Thr1212Ile (NM_170724.3); short protein forms T1212I.
Identifiers: ClinVar variation 5003311 (VCV005003311.1).

ClinVar aggregate classification (germline): Uncertain significance (1 of 4 stars; one submission).

Conditions:
Polycystic kidney disease 4 (PKD4). Also called: POLYCYSTIC KIDNEY AND HEPATIC DISEASE 1; POLYCYSTIC KIDNEY DISEASE, INFANTILE, TYPE I; PKD3; Autosomal Recessive Polycystic Kidney Disease – PKHD1; POLYCYSTIC KIDNEY DISEASE 4 WITH OR WITHOUT POLYCYSTIC LIVER DISEASE. Identifiers: MedGen C4540575, MONDO:0033004, OMIM 263200.

Submission:

Myriad Genetics, Inc.
Classification: Uncertain significance for Polycystic kidney disease 4. Last evaluated: 2026-06-05. Review status: criteria provided, single submitter. Criteria: Myriad Autosomal Dominant, Autosomal Recessive and X-Linked Classification Criteria (2023). Collection method: clinical testing. Allele origin: unknown.
Comment: NM_138694.3(PKHD1):c.3635C>T(T1212I) is a missense variant classified as a variant of uncertain significance in the context of autosomal recessive polycystic kidney disease, PKHD1-related. T1212I has not been observed in cases with relevant disease. Relevant functional assessments of this variant are not available in the literature. T1212I has not been observed in referenced population frequency databases. In summary, there is insufficient evidence to classify NM_138694.3(PKHD1):c.3635C>T(T1212I) as pathogenic or benign. Please note: this variant was assessed in the context of healthy population screening.